The following is an entry in ClinVar:

NM_000051.4(ATM):c.5320-74T>C

Gene: ATM (ATM serine/threonine kinase; plus strand). Cytogenetic location: 11q22.3.
Variant type: single nucleotide variant.
Coding change: c.5320-74T>C on transcript NM_000051.4 (MANE Select); 74 bases into the intron before coding-DNA position 5320, T replaced by C.
Molecular consequence: intron variant.
Genome position (GRCh38, 1-based): chr11:108,302,779, T>C. VCF-style: chr11-108302779-T-C. GRCh37 (hg19) VCF-style: chr11-108173506-T-C.
Other names: c.5320-74T>C (NM_001351834.2).
Identifiers: ClinVar variation 675488 (VCV000675488.1), dbSNP rs56260201, ClinGen allele CA228388189.
Genomic context (GRCh38, chr11:108,302,779, plus strand): 5'-TAAACATTGCCTCCAGATTTAGTTTTAACTGTATTTAGCTTTATTCAGAAAGATTTGTTA[T>C]ACTCATTTTGTGTAGGAAAGGTACAATGATTTCCACTTCTCTTATTTACATTTTCTAATC-3'

ClinVar aggregate classification (germline): Likely benign (1 of 4 stars; one submission).

Allele frequency attached by ClinVar (database versions not stated): gnomAD 0.00366; 1000 Genomes Project 0.00419; 1000 Genomes Project 30x 0.00437; TOPMed 0.00457.
gnomAD v4.1: 1,014 of 1,359,256 alleles (0.075%); highest among the groups gnomAD compares: African/African-American, 1.2%; 6 homozygotes.

Submission:

GeneDx
Classification: Likely benign. Last evaluated: 2018-06-18. Review status: criteria provided, single submitter. Criteria: GeneDx Variant Classification (06012015). Collection method: clinical testing. Allele origin: germline. Affected: yes.
Comment: This variant is considered likely benign or benign based on one or more of the following criteria: it is a conservative change, it occurs at a poorly conserved position in the protein, it is predicted to be benign by multiple in silico algorithms, and/or has population frequency not consistent with disease.